The following is an entry in ClinVar:

NM_173598.6(KSR2):c.402C>T (p.Tyr134=)

Gene: KSR2 (kinase suppressor of ras 2; minus strand). Cytogenetic location: 12q24.23.
Variant type: single nucleotide variant.
Coding change: c.402C>T on transcript NM_173598.6 (MANE Select); coding-DNA position 402, C replaced by T.
Protein change: p.Tyr134=; no amino-acid change (tyrosine 134 retained).
Molecular consequence: synonymous variant.
Genome position (GRCh38, 1-based): chr12:117,855,498, G>A on the plus strand (C>T on the coding strand, the complement: KSR2 is on the minus strand). VCF-style: chr12-117855498-G-A. GRCh37 (hg19) VCF-style: chr12-118293303-G-A.
Identifiers: ClinVar variation 3033746 (VCV003033746.2), dbSNP rs759965853, ClinGen allele CA6816351.

ClinVar aggregate classification (germline): Likely benign (0 of 4 stars; one submission).

Conditions:
KSR2-related disorder. Also called: KSR2-related condition.

Allele frequency attached by ClinVar (database versions not stated): ExAC 0.00001; gnomAD 0.00003.
gnomAD v4.1: 30 of 1,613,870 alleles (0.0019%); highest among the groups gnomAD compares: East Asian, 0.0045%; no homozygotes.

Submission:

PreventionGenetics, part of Exact Sciences
Classification: Likely benign for KSR2-related condition. Last evaluated: 2020-04-17. Review status: no assertion criteria provided. Collection method: clinical testing. Allele origin: germline.
Comment: This variant is classified as likely benign based on ACMG/AMP sequence variant interpretation guidelines (Richards et al. 2015 PMID: 25741868, with internal and published modifications).